The following is an entry in ClinVar:

NM_002528.7(NTHL1):c.454A>G (p.Thr152Ala)

Gene: NTHL1 (nth like DNA glycosylase 1; minus strand). Cytogenetic location: 16p13.3.
Variant type: single nucleotide variant.
Coding change: c.454A>G on transcript NM_002528.7 (MANE Select); coding-DNA position 454, A replaced by G.
Protein change: p.Thr152Ala; replaces threonine 152 with alanine.
Molecular consequence: missense variant. On other transcripts: intron variant (1).
Genome position (GRCh38, 1-based): chr16:2,044,701, T>C on the plus strand (A>G on the coding strand, the complement: NTHL1 is on the minus strand). VCF-style: chr16-2044701-T-C. GRCh37 (hg19) VCF-style: chr16-2094702-T-C.
Other names: c.124A>G, p.Thr42Ala (NM_001318194.2); c.355-975A>G (NM_001318193.2); short protein forms T152A, T42A.
Identifiers: ClinVar variation 1035710 (VCV001035710.11), dbSNP rs1472473035, ClinGen allele CA394294282.

ClinVar aggregate classification (germline): Uncertain significance. Review status: criteria provided, multiple submitters, no conflicts (2 of 4 stars). 3 submissions from 3 submitters: Uncertain significance (3). Last evaluated 2024-10-26.

Conditions:
Hereditary cancer-predisposing syndrome. Also called: Hereditary neoplastic syndrome; Neoplastic Syndromes, Hereditary; Tumor predisposition; Hereditary Cancer Syndrome. Identifiers: Orphanet 140162, MedGen C0027672, MeSH D009386, MONDO:0015356.

Allele frequency attached by ClinVar (database versions not stated): gnomAD exomes below 0.00001.
gnomAD v4.1: 1 of 1,612,460 alleles (0.000062%); highest among the groups gnomAD compares: Admixed American, 0.0017%; no homozygotes.

Submissions (3):

Ambry Genetics
Classification: Uncertain significance for Hereditary cancer-predisposing syndrome. Last evaluated: 2024-10-26. Review status: criteria provided, single submitter. Criteria: Ambry Variant Classification Scheme 2023. Collection method: clinical testing. Allele origin: germline.
Comment: The p.T160A variant (also known as c.478A>G), located in coding exon 3 of the NTHL1 gene, results from an A to G substitution at nucleotide position 478. The threonine at codon 160 is replaced by alanine, an amino acid with similar properties. This amino acid position is conserved. In addition, the in silico prediction for this alteration is inconclusive. Based on the available evidence, the clinical significance of this variant remains unclear.

Labcorp Genetics (formerly Invitae), Labcorp
Classification: Uncertain significance. Last evaluated: 2022-08-09. Review status: criteria provided, single submitter. Criteria: Invitae Variant Classification Sherloc (09022015). Collection method: clinical testing. Allele origin: germline.
Comment: In summary, the available evidence is currently insufficient to determine the role of this variant in disease. Therefore, it has been classified as a Variant of Uncertain Significance. Algorithms developed to predict the effect of missense changes on protein structure and function are either unavailable or do not agree on the potential impact of this missense change (SIFT: "Not Available"; PolyPhen-2: "Probably Damaging"; Align-GVGD: "Not Available"). ClinVar contains an entry for this variant (Variation ID: 1035710). This variant has not been reported in the literature in individuals affected with NTHL1-related conditions. The frequency data for this variant in the population databases is considered unreliable, as metrics indicate poor data quality at this position in the gnomAD database. This sequence change replaces threonine, which is neutral and polar, with alanine, which is neutral and non-polar, at codon 160 of the NTHL1 protein (p.Thr160Ala).

Sema4
Classification: Uncertain significance for Hereditary cancer-predisposing syndrome. Last evaluated: 2021-08-25. Review status: criteria provided, single submitter. Criteria: Sema4 Curation Guidelines. Collection method: curation. Allele origin: germline.
Comment: To the best of our knowledge, the NTHL1 c.478A>G (p.T160A) variant has not been reported in individuals with NTHL1-related disease. It was observed in 1/248730 chromosomes in the large and broad cohorts of the Genome Aggregation Database (PMID: 32461654). The variant has been reported in ClinVar (Variation ID 1035710). In silico tools suggest the impact of the variant on protein function is deleterious though these predictions have not been confirmed by functional studies. The evidence is insufficient to meet ACMG/AMP criteria for classifying the variant as benign or pathogenic. Thus, the clinical significance of this variant is currently uncertain.